The following is an entry in ClinVar:

NM_019066.5(MAGEL2):c.2325C>G (p.Asn775Lys)

Gene: MAGEL2 (MAGE family member L2; minus strand). Cytogenetic location: 15q11.2.
Variant type: single nucleotide variant.
Coding change: c.2325C>G on transcript NM_019066.5 (MANE Select); coding-DNA position 2325, C replaced by G.
Protein change: p.Asn775Lys; replaces asparagine 775 with lysine.
Molecular consequence: missense variant.
Genome position (GRCh38, 1-based): chr15:23,645,418, G>C on the plus strand (C>G on the coding strand, the complement: MAGEL2 is on the minus strand). VCF-style: chr15-23645418-G-C. GRCh37 (hg19) VCF-style: chr15-23890565-G-C.
Other names: short protein forms N775K.
Identifiers: ClinVar variation 3712199 (VCV003712199.2).

ClinVar aggregate classification (germline): Uncertain significance (1 of 4 stars; one submission).

Submission:

Labcorp Genetics (formerly Invitae), Labcorp
Classification: Uncertain significance. Last evaluated: 2024-04-08. Review status: criteria provided, single submitter. Criteria: Invitae Variant Classification Sherloc (09022015). Collection method: clinical testing. Allele origin: germline.
Comment: This sequence change replaces asparagine, which is neutral and polar, with lysine, which is basic and polar, at codon 775 of the MAGEL2 protein (p.Asn775Lys). This variant is present in population databases (rs765152928, gnomAD 0.02%). This variant has not been reported in the literature in individuals affected with MAGEL2-related conditions. Advanced modeling of protein sequence and biophysical properties (such as structural, functional, and spatial information, amino acid conservation, physicochemical variation, residue mobility, and thermodynamic stability) has been performed at Invitae for this missense variant, however the output from this modeling did not meet the statistical confidence thresholds required to predict the impact of this variant on MAGEL2 protein function. In summary, the available evidence is currently insufficient to determine the role of this variant in disease. Therefore, it has been classified as a Variant of Uncertain Significance.